The following is an entry in ClinVar:

NM_000254.3(MTR):c.2148G>A (p.Met716Ile)

Gene: MTR (5-methyltetrahydrofolate-homocysteine methyltransferase; plus strand). Cytogenetic location: 1q43.
Variant type: single nucleotide variant.
Coding change: c.2148G>A on transcript NM_000254.3 (MANE Select); coding-DNA position 2148, G replaced by A.
Protein change: p.Met716Ile; replaces methionine 716 with isoleucine.
Molecular consequence: missense variant. On other transcripts: intron variant (1).
Genome position (GRCh38, 1-based): chr1:236,861,229, G>A. VCF-style: chr1-236861229-G-A. GRCh37 (hg19) VCF-style: chr1-237024529-G-A.
Other names: c.927G>A, p.Met309Ile (NM_001291940.2); c.2148G>A, p.Met716Ile (NM_001410942.1); c.2044-1007G>A (NM_001291939.1); short protein forms M309I, M716I.
Identifiers: ClinVar variation 3372501 (VCV003372501.2).

ClinVar aggregate classification (germline): Uncertain significance (1 of 4 stars; one submission).

gnomAD v4.1: 7 of 1,613,480 alleles (0.00043%); highest among the groups gnomAD compares: Non-Finnish European, 0.00051%; no homozygotes.

Submission:

GeneDx
Classification: Uncertain significance. Last evaluated: 2025-04-29. Review status: criteria provided, single submitter. Criteria: GeneDx Variant Classification Process June 2021. Collection method: clinical testing. Allele origin: germline. Affected: yes.
Comment: Not observed at significant frequency in large population cohorts (gnomAD); In silico analysis supports that this missense variant has a deleterious effect on protein structure/function; Has not been previously published as pathogenic or benign to our knowledge